The following is an entry in ClinVar:

ClinVar aggregate classification (germline): Conflicting classifications of pathogenicity. Review status: criteria provided, conflicting classifications (1 of 4 stars). 2 submissions from 2 submitters: Uncertain significance (1); Likely benign (1). Last evaluated 2018-10-16.

Conditions:
Childhood onset GLUT1 deficiency syndrome 2. Also called: Paroxysmal exercise-induced dystonia; GLUT1 deficiency syndrome 2; PAROXYSMAL EXERCISE-INDUCED DYSKINESIA WITH OR WITHOUT EPILEPSY AND/OR HEMOLYTIC ANEMIA; PAROXYSMAL EXERTION-INDUCED DYSTONIA WITH OR WITHOUT EPILEPSY AND/OR HEMOLYTIC ANEMIA; PED WITH OR WITHOUT EPILEPSY AND/OR HEMOLYTIC ANEMIA; PxMD-SLC2A1. Identifiers: Orphanet 98811, MedGen C1842534, MONDO:0012805, OMIM 612126.

Allele frequency attached by ClinVar (database versions not stated): TOPMed 0.00002.
gnomAD v4.1: 3 of 1,613,926 alleles (0.00019%); highest among the groups gnomAD compares: African/African-American, 0.0027%; no homozygotes.

Submissions (2):

Baylor Genetics
Classification: Uncertain significance for Childhood onset GLUT1 deficiency syndrome 2. Last evaluated: 2018-10-16. Review status: criteria provided, single submitter. Criteria: ACMG Guidelines, 2015. Collection method: clinical testing. Allele origin: unknown. Affected: yes.
Comment: This variant was determined to be of uncertain significance according to ACMG Guidelines, 2015 [PMID:25741868].

GeneDx
Classification: Likely benign. Last evaluated: 2018-03-14. Review status: criteria provided, single submitter. Criteria: GeneDx Variant Classification (06012015). Collection method: clinical testing. Allele origin: germline. Affected: yes.
Comment: This variant is considered likely benign or benign based on one or more of the following criteria: it is a conservative change, it occurs at a poorly conserved position in the protein, it is predicted to be benign by multiple in silico algorithms, and/or has population frequency not consistent with disease.

NM_006516.4(SLC2A1):c.141A>T (p.Thr47=)

Gene: SLC2A1 (solute carrier family 2 member 1; minus strand). Cytogenetic location: 1p34.2.
Variant type: single nucleotide variant.
Coding change: c.141A>T on transcript NM_006516.4 (MANE Select); coding-DNA position 141, A replaced by T.
Protein change: p.Thr47=; no amino-acid change (threonine 47 retained).
Molecular consequence: synonymous variant.
Genome position (GRCh38, 1-based): chr1:42,931,180, T>A on the plus strand (A>T on the coding strand, the complement: SLC2A1 is on the minus strand). VCF-style: chr1-42931180-T-A. GRCh37 (hg19) VCF-style: chr1-43396851-T-A.
Identifiers: ClinVar variation 680367 (VCV000680367.2), dbSNP rs150863093, ClinGen allele CA417543863.